The following is an entry in ClinVar:

NM_001999.4(FBN2):c.8407G>A (p.Val2803Ile)

Gene: FBN2 (fibrillin 2; minus strand). Cytogenetic location: 5q23.3.
Variant type: single nucleotide variant.
Coding change: c.8407G>A on transcript NM_001999.4 (MANE Select); coding-DNA position 8407, G replaced by A.
Protein change: p.Val2803Ile; replaces valine 2803 with isoleucine.
Molecular consequence: missense variant.
Genome position (GRCh38, 1-based): chr5:128,259,787, C>T on the plus strand (G>A on the coding strand, the complement: FBN2 is on the minus strand). VCF-style: chr5-128259787-C-T. GRCh37 (hg19) VCF-style: chr5-127595479-C-T.
Other names: c.8407G>A (NM_001999.3); short protein forms V2803I.
Identifiers: ClinVar variation 2716728 (VCV002716728.4), dbSNP rs759451244, ClinGen allele CA3393815.

ClinVar aggregate classification (germline): Conflicting classifications of pathogenicity. Review status: criteria provided, conflicting classifications (1 of 4 stars). 2 submissions from 2 submitters: Uncertain significance (1); Benign (1). Last evaluated 2026-07-31.

Conditions:
Congenital contractural arachnodactyly (CCA). Also called: Beals-Hecht syndrome; Arthrogryposis, distal, type 9; BEALS SYNDROME. Identifiers: Orphanet 115, MedGen C0220668, MONDO:0007363, OMIM 121050.
Familial thoracic aortic aneurysm and aortic dissection (TAAD). Also called: Thoracic aortic aneurysms and dissections. Identifiers: Orphanet 91387, MedGen C4707243, MONDO:0019625.

Allele frequency attached by ClinVar (database versions not stated): gnomAD 0.00002; gnomAD exomes 0.00004; ExAC 0.00007.
gnomAD v4.1: 68 of 1,613,436 alleles (0.0042%); highest among the groups gnomAD compares: South Asian, 0.046%; 1 homozygote.

Submissions (2):

Ambry Genetics
Classification: Uncertain significance for Familial thoracic aortic aneurysm and aortic dissection. Last evaluated: 2026-07-31. Review status: criteria provided, single submitter. Criteria: Ambry Variant Classification Scheme 2023. Collection method: clinical testing. Allele origin: germline.
Comment: The p.V2803I variant (also known as c.8407G>A), located in coding exon 65 of the FBN2 gene, results from a G to A substitution at nucleotide position 8407. The valine at codon 2803 is replaced by isoleucine, an amino acid with highly similar properties. This amino acid position is conserved. In addition, this alteration is predicted to be tolerated by in silico analysis. Based on the available evidence, the clinical significance of this variant remains unclear.

Labcorp Genetics (formerly Invitae), Labcorp
Classification: Benign for Congenital contractural arachnodactyly. Last evaluated: 2023-04-22. Review status: criteria provided, single submitter. Criteria: Invitae Variant Classification Sherloc (09022015). Collection method: clinical testing. Allele origin: germline.